The following is an entry in ClinVar:

ClinVar aggregate classification (germline): Uncertain significance (1 of 4 stars; one submission).

Submission:

Labcorp Genetics (formerly Invitae), Labcorp
Classification: Uncertain significance. Last evaluated: 2023-01-30. Review status: criteria provided, single submitter. Criteria: Invitae Variant Classification Sherloc (09022015). Collection method: clinical testing. Allele origin: germline.
Comment: In summary, the available evidence is currently insufficient to determine the role of this variant in disease. Therefore, it has been classified as a Variant of Uncertain Significance. Algorithms developed to predict the effect of missense changes on protein structure and function (SIFT, PolyPhen-2, Align-GVGD) all suggest that this variant is likely to be disruptive. This variant has not been reported in the literature in individuals affected with INTU-related conditions. This variant is not present in population databases (gnomAD no frequency). This sequence change replaces serine, which is neutral and polar, with arginine, which is basic and polar, at codon 708 of the INTU protein (p.Ser708Arg).

NM_015693.4(INTU):c.2122A>C (p.Ser708Arg)

Gene: INTU (inturned planar cell polarity protein; plus strand). Cytogenetic location: 4q28.1.
Variant type: single nucleotide variant.
Coding change: c.2122A>C on transcript NM_015693.4 (MANE Select); coding-DNA position 2122, A replaced by C.
Protein change: p.Ser708Arg; replaces serine 708 with arginine.
Molecular consequence: missense variant.
Genome position (GRCh38, 1-based): chr4:127,706,820, A>C. VCF-style: chr4-127706820-A-C. GRCh37 (hg19) VCF-style: chr4-128627975-A-C.
Other names: short protein forms S708R.
Identifiers: ClinVar variation 2832908 (VCV002832908.3), dbSNP rs1730900727, ClinGen allele CA358138608.
Genomic context (GRCh38, chr4:127,706,820, plus strand): 5'-ACTTCTCCAACATGCAGAAGAACGCTTTTTGGTGACTATTCCTTAAAGACACGCAAGCCT[A>C]GTCCTTCCTGTAGTAGTGGAGGATCTGACAATGGTTGTGAAGGTGGAGAAGATGATGGCT-3'
Protein context (NP_056508.2, residues 698-718): GDYSLKTRKP[Ser708Arg]PSCSSGGSDN